The following is an entry in ClinVar:

NM_001039141.3(TRIOBP):c.3282C>T (p.Ala1094=)

Gene: TRIOBP (TRIO and F-actin binding protein; plus strand). Cytogenetic location: 22q13.1.
Variant type: single nucleotide variant.
Coding change: c.3282C>T on transcript NM_001039141.3 (MANE Select); coding-DNA position 3282, C replaced by T.
Protein change: p.Ala1094=; no amino-acid change (alanine 1094 retained).
Molecular consequence: synonymous variant.
Genome position (GRCh38, 1-based): chr22:37,725,838, C>T. VCF-style: chr22-37725838-C-T. GRCh37 (hg19) VCF-style: chr22-38121845-C-T.
Other names: c.3282C>T (NM_001039141.2).
Identifiers: ClinVar variation 3067429 (VCV003067429.22), dbSNP rs373257196, ClinGen allele CA10224079.
Genomic context (GRCh38, chr22:37,725,838, plus strand): 5'-CTCGCCCCCCCGCCACACCCAATTTGACCCCTTCCCCTTCCTCCCAGACACATCAGATGC[C>T]GAGCATCAGTGTCAGTCCCCCCAACACGAGCCCCTTCAGCTCCCTGCACCTGTGTGTATT-3'
Protein context (NP_001034230.1, residues 1084-1104): PFPFLPDTSD[Ala1094=]EHQCQSPQHE

ClinVar aggregate classification (germline): Likely benign. Review status: criteria provided, multiple submitters, no conflicts (2 of 4 stars). 2 submissions from 2 submitters: Likely benign (2). Last evaluated 2025-06-17.

Conditions:
TRIOBP-related disorder. Also called: TRIOBP-related condition.

Allele frequency attached by ClinVar (database versions not stated): ExAC 0.00009; gnomAD 0.00011; TOPMed 0.00014; ESP Exome Variant Server 0.00016.
gnomAD v4.1: 327 of 1,611,798 alleles (0.02%); highest among the groups gnomAD compares: Non-Finnish European, 0.024%; no homozygotes.

Submissions (2):

PreventionGenetics, part of Exact Sciences
Classification: Likely benign for TRIOBP-related condition. Last evaluated: 2025-06-17. Review status: criteria provided, single submitter. Criteria: ACMG Guidelines, 2015. Collection method: clinical testing. Allele origin: germline.
Comment: This variant is classified as likely benign based on ACMG/AMP sequence variant interpretation guidelines (Richards et al. 2015 PMID: 25741868, with internal and published modifications).

CeGaT Center for Human Genetics Tuebingen
Classification: Likely benign. Last evaluated: 2024-03-01. Review status: criteria provided, single submitter. Criteria: CeGaT Center For Human Genetics Tuebingen Variant Classification Criteria Version 2. Collection method: clinical testing. Allele origin: germline. Affected: yes. Observed: 1 variant allele.
Comment: TRIOBP: BP4, BP7